The following is an entry in ClinVar:

ClinVar aggregate classification (germline): Uncertain significance. Review status: criteria provided, multiple submitters, no conflicts (2 of 4 stars). 2 submissions from 2 submitters: Uncertain significance (2). Last evaluated 2023-09-17.

Submissions (2):

Labcorp Genetics (formerly Invitae), Labcorp
Classification: Uncertain significance. Last evaluated: 2023-09-17. Review status: criteria provided, single submitter. Criteria: Invitae Variant Classification Sherloc (09022015). Collection method: clinical testing. Allele origin: germline.
Comment: In summary, the available evidence is currently insufficient to determine the role of this variant in disease. Therefore, it has been classified as a Variant of Uncertain Significance. This variant disrupts the p.Pro1368 amino acid residue in USH2A. Other variant(s) that disrupt this residue have been observed in individuals with USH2A-related conditions (PMID: 28944237, 32037395, 32675063), which suggests that this may be a clinically significant amino acid residue. Algorithms developed to predict the effect of sequence changes on RNA splicing suggest that this variant may disrupt the consensus splice site. Advanced modeling of protein sequence and biophysical properties (such as structural, functional, and spatial information, amino acid conservation, physicochemical variation, residue mobility, and thermodynamic stability) has been performed at Invitae for this missense variant, however the output from this modeling did not meet the statistical confidence thresholds required to predict the impact of this variant on USH2A protein function. ClinVar contains an entry for this variant (Variation ID: 1519603). This variant has not been reported in the literature in individuals affected with USH2A-related conditions. This variant is not present in population databases (gnomAD no frequency). This sequence change replaces proline, which is neutral and non-polar, with threonine, which is neutral and polar, at codon 1368 of the USH2A protein (p.Pro1368Thr).

Blueprint Genetics
Classification: Uncertain significance. Last evaluated: 2022-05-20. Review status: criteria provided, single submitter. Criteria: ACMG Guidelines, 2015. Collection method: clinical testing. Allele origin: germline.

Literature cited by the submitters: PubMed 28944237 (cited by Labcorp Genetics (formerly Invitae), Labcorp); PubMed 32037395 (cited by Labcorp Genetics (formerly Invitae), Labcorp); PubMed 32675063 (cited by Labcorp Genetics (formerly Invitae), Labcorp).

NM_206933.4(USH2A):c.4102C>A (p.Pro1368Thr)

Genes: USH2A (usherin; minus strand), USH2A-AS1 (USH2A antisense RNA 1; plus strand). Cytogenetic location: 1q41.
Variant type: single nucleotide variant.
Coding change: c.4102C>A on transcript NM_206933.4 (MANE Select); coding-DNA position 4102, C replaced by A.
Protein change: p.Pro1368Thr; replaces proline 1368 with threonine.
Molecular consequence: missense variant.
Genome position (GRCh38, 1-based): chr1:216,196,702, G>T on the plus strand (C>A on the coding strand, the complement: USH2A is on the minus strand). VCF-style: chr1-216196702-G-T. GRCh37 (hg19) VCF-style: chr1-216370044-G-T.
Other names: c.4102C>A, p.Pro1368Thr (NM_007123.6); short protein forms P1368T.
Identifiers: ClinVar variation 1519603 (VCV001519603.8), dbSNP rs755867377, ClinGen allele CA344866699.